The following is an entry in ClinVar:

NM_000489.6(ATRX):c.4838T>C (p.Leu1613Ser)

Gene: ATRX (ATRX chromatin remodeler; minus strand). Cytogenetic location: Xq21.1.
Variant type: single nucleotide variant.
Coding change: c.4838T>C on transcript NM_000489.6 (MANE Select); coding-DNA position 4838, T replaced by C.
Protein change: p.Leu1613Ser; replaces leucine 1613 with serine.
Molecular consequence: missense variant.
Genome position (GRCh38, 1-based): chrX:77,633,684, A>G on the plus strand (T>C on the coding strand, the complement: ATRX is on the minus strand). VCF-style: chrX-77633684-A-G. GRCh37 (hg19) VCF-style: chrX-76889172-A-G.
Other names: c.4724T>C, p.Leu1575Ser (NM_138270.5); short protein forms L1613S, L1575S.
Identifiers: ClinVar variation 1470806 (VCV001470806.8), dbSNP rs2148343760, ClinGen allele CA413704719.

ClinVar aggregate classification (germline): Uncertain significance (1 of 4 stars; one submission).

Conditions:
Alpha thalassemia-X-linked intellectual disability syndrome (ATRX). Also called: X-linked alpha-thalassemia-mental retardation syndrome; ALPHA-THALASSEMIA/IMPAIRED INTELLECTUAL DEVELOPMENT SYNDROME, X-LINKED; ALPHA-THALASSEMIA/MENTAL RETARDATION SYNDROME, X-LINKED; ATR, NONDELETION TYPE; ATR-X syndrome; Alpha thalassemia mental retardation syndrome, nondeletion type, X-linked. Identifiers: Orphanet 847, MedGen C1845055, MONDO:0010519, OMIM 301040.

Submission:

Labcorp Genetics (formerly Invitae), Labcorp
Classification: Uncertain significance for Alpha thalassemia-X-linked intellectual disability syndrome. Last evaluated: 2021-04-09. Review status: criteria provided, single submitter. Criteria: Invitae Variant Classification Sherloc (09022015). Collection method: clinical testing. Allele origin: germline.
Comment: This sequence change replaces leucine with serine at codon 1613 of the ATRX protein (p.Leu1613Ser). The leucine residue is highly conserved and there is a large physicochemical difference between leucine and serine. In summary, the available evidence is currently insufficient to determine the role of this variant in disease. Therefore, it has been classified as a Variant of Uncertain Significance. Advanced modeling of protein sequence and biophysical properties (such as structural, functional, and spatial information, amino acid conservation, physicochemical variation, residue mobility, and thermodynamic stability) performed at Invitae indicates that this missense variant is expected to disrupt ATRX protein function. This variant has not been reported in the literature in individuals with ATRX-related conditions. This variant is not present in population databases (ExAC no frequency).